The following is an entry in ClinVar:

NM_001242896.3(DEPDC5):c.3217A>C (p.Ser1073Arg)

Gene: DEPDC5 (DEP domain containing 5, GATOR1 subcomplex subunit; plus strand). Cytogenetic location: 22q12.3.
Variant type: single nucleotide variant.
Coding change: c.3217A>C on transcript NM_001242896.3 (MANE Select); coding-DNA position 3217, A replaced by C.
Protein change: p.Ser1073Arg; replaces serine 1073 with arginine.
Molecular consequence: missense variant. On other transcripts: non-coding transcript variant (5).
Genome position (GRCh38, 1-based): chr22:31,857,506, A>C. VCF-style: chr22-31857506-A-C. GRCh37 (hg19) VCF-style: chr22-32253492-A-C.
Other names: c.3190A>C, p.Ser1064Arg (NM_001136029.4, NM_001369903.1, NM_014662.6); c.2983A>C, p.Ser995Arg (NM_001242897.2, NM_001363854.2, NM_001364319.2); c.3217A>C, p.Ser1073Arg (NM_001363852.2, NM_001364318.2, NM_001364320.2); c.3133A>C, p.Ser1045Arg (NM_001369901.1, NM_001369902.1); short protein forms S1073R, S995R, S1045R, S1064R.
Identifiers: ClinVar variation 264760 (VCV000264760.13), dbSNP rs754608531, ClinGen allele CA10196909.

ClinVar aggregate classification (germline): Uncertain significance. Review status: criteria provided, multiple submitters, no conflicts (2 of 4 stars). 4 submissions from 4 submitters: Uncertain significance (3). 1 of the submissions does not count toward it. Last evaluated 2025-09-14.

Conditions:
Familial focal epilepsy with variable foci (FPEVF). Identifiers: Orphanet 98820, MedGen C1858477, MONDO:0020310.
Epilepsy, familial focal, with variable foci 1 (FFEVF1). Also called: DEPDC5-Related Epilepsy. Identifiers: MedGen C4551983, MONDO:0024556, OMIM 604364.
Developmental and epileptic encephalopathy 111 (DEE111). Identifiers: MedGen C5882690, MONDO:0957780, OMIM 620504.

Allele frequency attached by ClinVar (database versions not stated): gnomAD 0.00005; gnomAD exomes 0.00004 and 0.00007; TOPMed 0.00006; ExAC 0.00001.
gnomAD v4.1: 114 of 1,612,624 alleles (0.0071%); highest among the groups gnomAD compares: Non-Finnish European, 0.0092%; 1 homozygote.

Submissions (4):

Labcorp Genetics (formerly Invitae), Labcorp
Classification: Uncertain significance for Familial focal epilepsy with variable foci. Last evaluated: 2025-09-14. Review status: criteria provided, single submitter. Criteria: Invitae Variant Classification Sherloc (09022015). Collection method: clinical testing. Allele origin: germline.
Comment: This sequence change replaces serine, which is neutral and polar, with arginine, which is basic and polar, at codon 1073 of the DEPDC5 protein (p.Ser1073Arg). This variant is present in population databases (rs754608531, gnomAD 0.006%). This missense change has been observed in individual(s) with familial focal epilepsy with variable foci (PMID: 23542697). ClinVar contains an entry for this variant (Variation ID: 264760). Algorithms developed to predict the effect of variants on gene product structure and function are not available or were not evaluated for this variant. Experimental studies are conflicting or provide insufficient evidence to determine the effect of this variant on DEPDC5 function (PMID: 25366275). In summary, the available evidence is currently insufficient to determine the role of this variant in disease. Therefore, it has been classified as a Variant of Uncertain Significance.

Blueprint Genetics
Classification: Uncertain significance. Last evaluated: 2024-11-01. Review status: criteria provided, single submitter. Criteria: ACMG Guidelines, 2015. Collection method: clinical testing. Allele origin: germline.

Fulgent Genetics
Classification: Uncertain significance for Epilepsy, familial focal, with variable foci 1; Developmental and epileptic encephalopathy 111. Last evaluated: 2024-06-20. Review status: criteria provided, single submitter. Criteria: ACMG Guidelines, 2015. Collection method: clinical testing. Allele origin: germline.

GeneReviews
No classification provided. Condition: Epilepsy, familial focal, with variable foci 1. Review status: no classification provided. Collection method: literature only. Allele origin: germline. Affected: yes. Not counted in ClinVar's aggregate classification.

Literature cited by the submitters: PubMed 23542697 (cited by Labcorp Genetics (formerly Invitae), Labcorp and GeneReviews); PubMed 25366275 (cited by Labcorp Genetics (formerly Invitae), Labcorp); NCBI Bookshelf NBK385626 (cited by GeneReviews).